The following is an entry in ClinVar:

NM_022041.4(GAN):c.313GTT[1] (p.Val106del)

Gene: GAN (gigaxonin; plus strand). Cytogenetic location: 16q23.2.
Variant type: Microsatellite.
Coding change: c.313GTT[1] on transcript NM_022041.4 (MANE Select); one copy of the 3-base unit GTT starting at c.313; the reference has two copies in a row; one copy, 3 bases deleted; also written c.316_318del.
Protein change: p.Val106del; deletes valine 106.
Molecular consequence: inframe deletion. On other transcripts: 5 prime UTR variant (1).
Genome position (GRCh38, 1-based): chr16:81,354,438-81,354,440, GTT deleted; deleting any 3 consecutive bases within chr16:81,354,434-81,354,440 gives the same sequence; the position shown is the placement nearest the transcript's 3' end. VCF-style (leftmost placement, unchanged base first): chr16-81354433-ATGT-A. GRCh37 (hg19) VCF-style: chr16-81388038-ATGT-A.
Other names: c.-327GTT[1] (NM_001377486.1); c.316_318del (NM_022041.3); short protein forms V106del.
Identifiers: ClinVar variation 1024101 (VCV001024101.9), dbSNP rs1567491395, ClinGen allele CA623755194.

ClinVar aggregate classification (germline): Conflicting classifications of pathogenicity. Review status: criteria provided, conflicting classifications (1 of 4 stars). 2 submissions from 2 submitters: Likely pathogenic (1); Uncertain significance (1). Last evaluated 2026-01-27.

Conditions:
Giant axonal neuropathy 1 (GAN1). Also called: GIANT AXONAL NEUROPATHY 1, AUTOSOMAL RECESSIVE; GAN-Related Neurodegeneration. Identifiers: Orphanet 643, MedGen C1850386, MONDO:0009749, OMIM 256850.

Submissions (2):

Labcorp Genetics (formerly Invitae), Labcorp
Classification: Uncertain significance for Giant axonal neuropathy 1. Last evaluated: 2026-01-27. Review status: criteria provided, single submitter. Criteria: Invitae Variant Classification Sherloc (09022015). Collection method: clinical testing. Allele origin: germline.
Comment: This variant, c.316_318del, results in the deletion of 1 amino acid(s) of the GAN protein (p.Val106del), but otherwise preserves the integrity of the reading frame. This variant is present in population databases (no rsID available, gnomAD 0.003%). This variant has been observed in individual(s) with GAN-related conditions (PMID: 34114613). ClinVar contains an entry for this variant (Variation ID: 1024101). Experimental studies and prediction algorithms are not available or were not evaluated, and the functional significance of this variant is currently unknown. In summary, the available evidence is currently insufficient to determine the role of this variant in disease. Therefore, it has been classified as a Variant of Uncertain Significance.

GeneDx
Classification: Likely pathogenic. Last evaluated: 2023-08-27. Review status: criteria provided, single submitter. Criteria: GeneDx Variant Classification Process June 2021. Collection method: clinical testing. Allele origin: germline. Affected: yes.
Comment: In-frame deletion of 1 amino acid in a non-repeat region; Not observed at significant frequency in large population cohorts (gnomAD); In silico analysis supports that this variant does not alter protein structure/function; Has not been previously published as pathogenic or benign to our knowledge; This variant is associated with the following publications: (PMID: 27023907)

Literature cited by the submitters: PubMed 34114613 (cited by Labcorp Genetics (formerly Invitae), Labcorp).